The following is an entry in ClinVar:

ClinVar aggregate classification (germline): Uncertain significance (1 of 4 stars; one submission).

Conditions:
Inborn genetic diseases. Identifiers: MedGen C0950123, MeSH D030342.

Submission:

Ambry Genetics
Classification: Uncertain significance for Inborn genetic diseases. Last evaluated: 2022-04-02. Review status: criteria provided, single submitter. Criteria: Ambry Variant Classification Scheme 2023. Collection method: clinical testing. Allele origin: germline.
Comment: The p.A127V variant (also known as c.380C>T), located in coding exon 4 of the LRRK2 gene, results from a C to T substitution at nucleotide position 380. The alanine at codon 127 is replaced by valine, an amino acid with similar properties. This amino acid position is conserved. In addition, this alteration is predicted to be tolerated by in silico analysis. Since supporting evidence is limited at this time, the clinical significance of this alteration remains unclear.

NM_198578.4(LRRK2):c.380C>T (p.Ala127Val)

Gene: LRRK2 (leucine rich repeat kinase 2; plus strand). Cytogenetic location: 12q12.
Variant type: single nucleotide variant.
Coding change: c.380C>T on transcript NM_198578.4 (MANE Select); coding-DNA position 380, C replaced by T.
Protein change: p.Ala127Val; replaces alanine 127 with valine.
Molecular consequence: missense variant.
Genome position (GRCh38, 1-based): chr12:40,235,658, C>T. VCF-style: chr12-40235658-C-T. GRCh37 (hg19) VCF-style: chr12-40629460-C-T.
Other names: short protein forms A127V.
Identifiers: ClinVar variation 1735138 (VCV001735138.2), dbSNP rs2499403080, ClinGen allele CA384402774.